The following is an entry in ClinVar:

ClinVar aggregate classification (germline): Uncertain significance (1 of 4 stars; one submission).

Conditions:
Hereditary cancer-predisposing syndrome. Also called: Hereditary neoplastic syndrome; Tumor predisposition; Hereditary Cancer Syndrome; Neoplastic Syndromes, Hereditary. Identifiers: Orphanet 140162, MedGen C0027672, MeSH D009386, MONDO:0015356.

Submission:

Ambry Genetics
Classification: Uncertain significance for Hereditary cancer-predisposing syndrome. Last evaluated: 2023-07-21. Review status: criteria provided, single submitter. Criteria: Ambry Variant Classification Scheme 2023. Collection method: clinical testing. Allele origin: germline.
Comment: The c.1908-3T>G intronic variant results from a T to G substitution 3 nucleotides upstream from coding exon 7 in the AXIN2 gene. This nucleotide position is poorly conserved in available vertebrate species. In silico splice site analysis predicts that this alteration may weaken the native splice acceptor site and will result in the creation or strengthening of a novel splice acceptor site; however, direct evidence is insufficient at this time (Ambry internal data). Since supporting evidence is limited at this time, the clinical significance of this alteration remains unclear.

NM_004655.4(AXIN2):c.1908-3T>G

Gene: AXIN2 (axin 2; minus strand). Cytogenetic location: 17q24.1.
Variant type: single nucleotide variant.
Coding change: c.1908-3T>G on transcript NM_004655.4 (MANE Select); 3 bases into the intron before coding-DNA position 1908, T replaced by G.
Molecular consequence: intron variant.
Genome position (GRCh38, 1-based): chr17:65,536,556, A>C on the plus strand (T>G on the coding strand, the complement: AXIN2 is on the minus strand). VCF-style: chr17-65536556-A-C. GRCh37 (hg19) VCF-style: chr17-63532674-A-C.
Other names: c.1713-3T>G (NM_001363813.1).
Identifiers: ClinVar variation 2586358 (VCV002586358.2), dbSNP rs1287639468, ClinGen allele CA2582342302.